The following is an entry in ClinVar:

NM_001159699.2(FHL1):c.755G>C (p.Ser252Thr)

Gene: FHL1 (four and a half LIM domains 1; plus strand). Cytogenetic location: Xq26.3.
Variant type: single nucleotide variant.
Coding change: c.755G>C on transcript NM_001159699.2 (MANE Select); coding-DNA position 755, G replaced by C.
Protein change: p.Ser252Thr; replaces serine 252 with threonine.
Molecular consequence: missense variant. On other transcripts: non-coding transcript variant (1).
Genome position (GRCh38, 1-based): chrX:136,209,889, G>C. VCF-style: chrX-136209889-G-C. GRCh37 (hg19) VCF-style: chrX-135292048-G-C.
Other names: c.794G>C, p.Ser265Thr (NM_001159701.2); c.907G>C, p.Val303Leu (NM_001159702.3, NM_001369326.1, NM_001369327.2 and 1 more transcripts); c.520G>C, p.Val174Leu (NM_001159703.2); c.707G>C, p.Ser236Thr (NM_001159704.1, NM_001167819.1, NM_001369329.1 and 4 more transcripts); c.568G>C, p.Val190Leu (NM_001330659.2); short protein forms S252T, V190L, V303L, S236T, S265T, V174L.
Identifiers: ClinVar variation 3515260 (VCV003515260.3).
Genomic context (GRCh38, chrX:136,209,889, plus strand): 5'-GTTTCTCTTGTTTTCTTTTCTTTTCTTTTTTTTTCCCCCCAGGGTTTGGTAAAGGCTCCA[G>C]TGTGGTGGCCTATGAAGGACAATCCTGGCACGACTACTGCTTCCACTGCAAAAAATGCTC-3'
Protein context (NP_001153171.1, residues 242-262): NPITGFGKGS[Ser252Thr]VVAYEGQSWH

ClinVar aggregate classification (germline): Uncertain significance. Review status: criteria provided, multiple submitters, no conflicts (2 of 4 stars). 2 submissions from 2 submitters: Uncertain significance (2). Last evaluated 2024-11-30.

Conditions:
X-linked myopathy with postural muscle atrophy. Also called: FHL1-Related Emery-Dreifuss Muscular Dystrophy, X-Linked. Identifiers: Orphanet 178461, MedGen C2678055, MONDO:0010401, OMIM 300696.
Cardiovascular phenotype. Identifiers: MedGen CN230736.

Submissions (2):

Ambry Genetics
Classification: Uncertain significance for Cardiovascular phenotype. Last evaluated: 2024-11-30. Review status: criteria provided, single submitter. Criteria: Ambry Variant Classification Scheme 2023. Collection method: clinical testing. Allele origin: germline.
Comment: The p.S236T variant (also known as c.707G>C), located in coding exon 5 of the FHL1 gene, results from a G to C substitution at nucleotide position 707. The serine at codon 236 is replaced by threonine, an amino acid with similar properties. This amino acid position is conserved. In addition, the in silico prediction for this alteration is inconclusive. Based on the available evidence, the clinical significance of this variant remains unclear.

Labcorp Genetics (formerly Invitae), Labcorp
Classification: Uncertain significance for X-linked myopathy with postural muscle atrophy. Last evaluated: 2024-06-28. Review status: criteria provided, single submitter. Criteria: Invitae Variant Classification Sherloc (09022015). Collection method: clinical testing. Allele origin: germline.
Comment: This sequence change replaces serine, which is neutral and polar, with threonine, which is neutral and polar, at codon 236 of the FHL1 protein (p.Ser236Thr). This variant is not present in population databases (gnomAD no frequency). This variant has not been reported in the literature in individuals affected with FHL1-related conditions. An algorithm developed to predict the effect of missense changes on protein structure and function (PolyPhen-2) suggests that this variant is likely to be tolerated. In summary, the available evidence is currently insufficient to determine the role of this variant in disease. Therefore, it has been classified as a Variant of Uncertain Significance.